The following is an entry in ClinVar:

ClinVar aggregate classification (germline): Uncertain significance (1 of 4 stars; one submission).

Submission:

Women's Health and Genetics/Laboratory Corporation of America, LabCorp
Classification: Uncertain significance. Last evaluated: 2026-06-22. Review status: criteria provided, single submitter. Criteria: LabCorp Variant Classification Summary - May 2015. Collection method: clinical testing. Allele origin: germline.
Comment: Variant summary: The variant involves the duplication of exon 1 in the KMT2C gene. A presumed nomenclature of c.(?_-218)_(161+1_162-1)dup has been designated for the purposes of this classification. The exact breakpoint at the 5' end of this variant is unknown, therefore this duplication may extend upstream of the annotated region of this gene. It is predicted to duplicate a segment including the initiation codon, therefore its impact on the encoded protein is unknown. A similar duplication was found at a frequency of 0.00013 in 123604 control chromosomes in the gnomAD database, including 3 (perceived) homozygotes. This frequency is not significantly higher than estimated for disease-causing variants in KMT2C, allowing no conclusion about variant significance. To our knowledge, no occurrence of c.(?_-218)_(161+1_162-1)dup in individuals affected with KMT2C-related conditions and no experimental evidence demonstrating its impact on protein function have been reported. ClinVar contains an entry for this variant (Variation ID: 2427460). Based on the evidence outlined above, the variant was classified as uncertain significance.

NC_000007.13:g.(152055761_152132710)_(152133089_?)dup

Gene: KMT2C (lysine methyltransferase 2C; minus strand). Cytogenetic location: 7q36.1.
Variant type: Duplication.
Identifiers: ClinVar variation 4887759 (VCV004887759.1).